The following is an entry in ClinVar:

ClinVar aggregate classification (germline): Uncertain significance (1 of 4 stars; one submission).

Allele frequency attached by ClinVar (database versions not stated): gnomAD exomes below 0.00001.
gnomAD v4.1: 3 of 1,612,402 alleles (0.00019%); highest among the groups gnomAD compares: African/African-American, 0.0013%; no homozygotes.

Submission:

Labcorp Genetics (formerly Invitae), Labcorp
Classification: Uncertain significance. Last evaluated: 2023-07-18. Review status: criteria provided, single submitter. Criteria: Invitae Variant Classification Sherloc (09022015). Collection method: clinical testing. Allele origin: germline.
Comment: This sequence change replaces proline, which is neutral and non-polar, with leucine, which is neutral and non-polar, at codon 1084 of the KMT2B protein (p.Pro1084Leu). This variant is not present in population databases (gnomAD no frequency). This variant has not been reported in the literature in individuals affected with KMT2B-related conditions. Advanced modeling of protein sequence and biophysical properties (such as structural, functional, and spatial information, amino acid conservation, physicochemical variation, residue mobility, and thermodynamic stability) has been performed at Invitae for this missense variant, however the output from this modeling did not meet the statistical confidence thresholds required to predict the impact of this variant on KMT2B protein function. In summary, the available evidence is currently insufficient to determine the role of this variant in disease. Therefore, it has been classified as a Variant of Uncertain Significance.

NM_014727.3(KMT2B):c.3251C>T (p.Pro1084Leu)

Gene: KMT2B (lysine methyltransferase 2B; plus strand). Cytogenetic location: 19q13.12.
Variant type: single nucleotide variant.
Coding change: c.3251C>T on transcript NM_014727.3 (MANE Select); coding-DNA position 3251, C replaced by T.
Protein change: p.Pro1084Leu; replaces proline 1084 with leucine.
Molecular consequence: missense variant.
Genome position (GRCh38, 1-based): chr19:35,723,924, C>T. VCF-style: chr19-35723924-C-T. GRCh37 (hg19) VCF-style: chr19-36214825-C-T.
Other names: short protein forms P1084L.
Identifiers: ClinVar variation 2781006 (VCV002781006.3), dbSNP rs2146446467, ClinGen allele CA405405016.